The following is an entry in ClinVar:

ClinVar aggregate classification (germline): Pathogenic. Review status: criteria provided, multiple submitters, no conflicts (2 of 4 stars). 2 submissions from 2 submitters: Pathogenic (2). Last evaluated 2023-04-20.

Conditions:
Holoprosencephaly 5 (HPE5). Identifiers: Orphanet 2162, MedGen C1864827, MONDO:0012322, OMIM 609637.

Submissions (2):

Labcorp Genetics (formerly Invitae), Labcorp
Classification: Pathogenic for Holoprosencephaly 5. Last evaluated: 2023-04-20. Review status: criteria provided, single submitter. Criteria: Invitae Variant Classification Sherloc (09022015). Collection method: clinical testing. Allele origin: germline.
Comment: This frameshift has been observed in individual(s) with holoprosencephaly (Invitae). In at least one individual the variant was observed to be de novo. ClinVar contains an entry for this variant (Variation ID: 811286). For these reasons, this variant has been classified as Pathogenic. This variant is not present in population databases (gnomAD no frequency). This sequence change results in a frameshift in the ZIC2 gene (p.Leu440Trpfs*115). While this is not anticipated to result in nonsense mediated decay, it is expected to disrupt the last 93 amino acid(s) of the ZIC2 protein and extend the protein by 21 additional amino acid residues.

ARUP Laboratories, Molecular Genetics and Genomics, ARUP Laboratories
Classification: Pathogenic for Holoprosencephaly 5. Last evaluated: 2019-02-12. Review status: criteria provided, single submitter. Criteria: ARUP Molecular Germline Variant Investigation Process. Collection method: clinical testing. Allele origin: germline.
Comment: The ZIC2 c.1317delG; p.Leu440fs variant, to our knowledge, is not reported in the medical literature or gene specific databases. This variant is also absent from general population databases (Exome Variant Server, Genome Aggregation Database), indicating it is not a common polymorphism. This variant causes a frameshift by deleting a single nucleotide, so it is predicted to result in a truncated protein or mRNA subject to nonsense-mediated decay. Additionally, ZIC2 loss-of-function is a known mechanism of disease, and truncating variants downstream of the p.Leu440fs variant have been reported in individuals with holoprosencephaly (Roessler 2009). Based on available information, this variant is considered to be pathogenic. References: Roessler E et al. The full spectrum of holoprosencephaly-associated mutations within the ZIC2 gene in humans predicts loss-of-function as the predominant disease mechanism. Hum Mutat. 2009 Apr;30(4):E541-54.

NM_007129.5(ZIC2):c.1317del (p.Leu440fs)

Gene: ZIC2 (Zic family zinc finger 2; plus strand). Cytogenetic location: 13q32.3.
Variant type: Deletion.
Coding change: c.1317del on transcript NM_007129.5 (MANE Select); coding-DNA position 1317, one base deleted (G; older notation c.1317delG).
Protein change: p.Leu440fs; shifts the reading frame from leucine 440.
Molecular consequence: frameshift variant.
Genome position (GRCh38, 1-based): chr13:99,985,400, G deleted; the last of 4 consecutive G bases (chr13:99,985,397-99,985,400); deleting any one gives the same sequence. VCF-style (leftmost placement, unchanged base first): chr13-99985396-CG-C. GRCh37 (hg19) VCF-style: chr13-100637650-CG-C.
Other names: short protein forms L440fs.
Identifiers: ClinVar variation 811286 (VCV000811286.11), dbSNP rs1594292057, ClinGen allele CA915948669.